The following is an entry in ClinVar:

ClinVar aggregate classification (germline): Uncertain significance (1 of 4 stars; one submission).

Conditions:
Familial hypobetalipoproteinemia 1. Also called: APOB-Related Familial Hypobetalipoproteinemia; Hypobetalipoproteinemia, normotriglyceridemic; Acanthocytosis with hypobetalipoproteinemia. Identifiers: MedGen C4551990, MONDO:0014252, OMIM 615558.
Hypercholesterolemia, autosomal dominant, type B (FHCL2). Also called: APOB-Related Familial Hypercholesterolemia, Autosomal Dominant; Familial hypercholesterolemia 2; Familial Hypercholesterolemia Type B; APOLIPOPROTEIN B-100, FAMILIAL DEFECTIVE; APOLIPOPROTEIN B-100, FAMILIAL LIGAND-DEFECTIVE; HYPERCHOLESTEROLEMIA, FAMILIAL, DUE TO LIGAND-DEFECTIVE APOLIPOPROTEIN B. Identifiers: MedGen C1704417, MONDO:0007751, OMIM 144010.

Submission:

Labcorp Genetics (formerly Invitae), Labcorp
Classification: Uncertain significance for Familial hypobetalipoproteinemia 1; Hypercholesterolemia, autosomal dominant, type B. Last evaluated: 2025-07-09. Review status: criteria provided, single submitter. Criteria: Invitae Variant Classification Sherloc (09022015). Collection method: clinical testing. Allele origin: germline.
Comment: This sequence change replaces isoleucine, which is neutral and non-polar, with phenylalanine, which is neutral and non-polar, at codon 1555 of the APOB protein (p.Ile1555Phe). This variant is not present in population databases (gnomAD no frequency). This variant has not been reported in the literature in individuals affected with APOB-related conditions. Invitae Evidence Modeling of protein sequence and biophysical properties (such as structural, functional, and spatial information, amino acid conservation, physicochemical variation, residue mobility, and thermodynamic stability) indicates that this missense variant is not expected to disrupt APOB protein function with a negative predictive value of 95%. In summary, the available evidence is currently insufficient to determine the role of this variant in disease. Therefore, it has been classified as a Variant of Uncertain Significance.

NM_000384.3(APOB):c.4663A>T (p.Ile1555Phe)

Gene: APOB (apolipoprotein B; minus strand). Cytogenetic location: 2p24.1.
Variant type: single nucleotide variant.
Coding change: c.4663A>T on transcript NM_000384.3 (MANE Select); coding-DNA position 4663, A replaced by T.
Protein change: p.Ile1555Phe; replaces isoleucine 1555 with phenylalanine.
Molecular consequence: missense variant.
Genome position (GRCh38, 1-based): chr2:21,012,205, T>A on the plus strand (A>T on the coding strand, the complement: APOB is on the minus strand). VCF-style: chr2-21012205-T-A. GRCh37 (hg19) VCF-style: chr2-21235077-T-A.
Other names: short protein forms I1555F.
Identifiers: ClinVar variation 4789290 (VCV004789290.1).
Genomic context (GRCh38, chr2:21,012,205, plus strand): 5'-TGGTGTCAGATTTTAAAGTCAGCTCGTAGTTCTCATACTTTAGGGAAGCAGTATTTTTAA[T>A]GATGCCACTTTGCAGATCAGAGGTGGAGGTGAGGGAGAGGGTTCCATCTTCATATCTTCC-3'
Protein context (NP_000375.3, residues 1545-1565): TSTSDLQSGI[Ile1555Phe]KNTASLKYEN